The following is an entry in ClinVar:

ClinVar aggregate classification (germline): Likely pathogenic (1 of 4 stars; one submission).

Submission:

GeneDx
Classification: Likely pathogenic. Last evaluated: 2014-03-05. Review status: criteria provided, single submitter. Criteria: GeneDx Variant Classification (06012015). Collection method: clinical testing. Allele origin: germline. Affected: yes.
Comment: p.Asp236Val (GAC>GTC): c.707 A>T in exon 6 of the SLC2A1 gene (NM_006516.2)A Asp236Val variant that is likely pathogenic has been identified in the SLC2A1 gene. The Asp236Val variant has not been published as a mutation, nor has it been reported as a benign polymorphism to our knowledge. It was not observed in approximately 6,500 individuals of European and African American ancestry in the NHLBI Exome Sequencing Project, indicating it is not a common benign variant in these populations. The Asp236Val variant is a non-conservative amino acid substitution, which is likely to impact secondary protein structure as these residues differ in polarity, charge, size and/or other properties. This substitution occurs at a position that is conserved across species, and in silico analysis predicts this variant is probably damaging to the protein structure/function. Additionally, missense mutations in nearby residues (Arg232Cys and Val237Met) have been reported in association with generalized idiopathic epilepsy and non-syndromic intellectual disability, supporting the functional importance of this region of the protein. Therefore, this variant is a strong candidate for a pathogenic mutation, however the possibility that it is a benign variant cannot be excluded. The variant is found in INFANT-EPI panel(s).

NM_006516.4(SLC2A1):c.707A>T (p.Asp236Val)

Gene: SLC2A1 (solute carrier family 2 member 1; minus strand). Cytogenetic location: 1p34.2.
Variant type: single nucleotide variant.
Coding change: c.707A>T on transcript NM_006516.4 (MANE Select); coding-DNA position 707, A replaced by T.
Protein change: p.Asp236Val; replaces aspartic acid 236 with valine.
Molecular consequence: missense variant.
Genome position (GRCh38, 1-based): chr1:42,929,753, T>A on the plus strand (A>T on the coding strand, the complement: SLC2A1 is on the minus strand). VCF-style: chr1-42929753-T-A. GRCh37 (hg19) VCF-style: chr1-43395424-T-A.
Other names: p.D236V:GAC>GTC; short protein forms D236V.
Identifiers: ClinVar variation 207194 (VCV000207194.2), dbSNP rs796053249, ClinGen allele CA318434.